The following is an entry in ClinVar:

NM_005476.7(GNE):c.605G>C (p.Arg202Pro)

Gene: GNE (glucosamine (UDP-N-acetyl)-2-epimerase/N-acetylmannosamine kinase; minus strand). Cytogenetic location: 9p13.3.
Variant type: single nucleotide variant.
Coding change: c.605G>C on transcript NM_005476.7 (MANE Select); coding-DNA position 605, G replaced by C.
Protein change: p.Arg202Pro; replaces arginine 202 with proline.
Molecular consequence: missense variant.
Genome position (GRCh38, 1-based): chr9:36,246,042, C>G on the plus strand (G>C on the coding strand, the complement: GNE is on the minus strand). VCF-style: chr9-36246042-C-G. GRCh37 (hg19) VCF-style: chr9-36246039-C-G.
Other names: c.605G>C, p.Arg202Pro (NM_001190383.3, NM_001374797.1); c.428G>C, p.Arg143Pro (NM_001190384.3, NM_001190388.2, NM_001374798.1); c.698G>C, p.Arg233Pro (NM_001128227.3); short protein forms R143P, R233P, R202P.
Identifiers: ClinVar variation 2585243 (VCV002585243.1), dbSNP rs752650334, ClinGen allele CA373417980.

ClinVar aggregate classification (germline): Uncertain significance (1 of 4 stars; one submission).

Conditions:
GNE myopathy (NM). Also called: IBM 2; Inclusion body myopathy autosomal recessive; MYOPATHY, DISTAL, WITH OR WITHOUT RIMMED VACUOLES; INCLUSION BODY MYOPATHY, HEREDITARY, AUTOSOMAL RECESSIVE; INCLUSION BODY MYOPATHY 2, AUTOSOMAL RECESSIVE; Inclusion body myopathy quadriceps sparing. Identifiers: Orphanet 602, MedGen C1853926, MONDO:0011603, OMIM 605820.

Submission:

Neuberg Centre For Genomic Medicine, NCGM
Classification: Uncertain significance for GNE myopathy. Review status: criteria provided, single submitter. Criteria: ACMG Guidelines, 2015. Collection method: clinical testing. Allele origin: germline. Inheritance: Autosomal recessive inheritance. Affected: yes.
Comment: The missense variant c.698G>C (p.Arg233Pro) in GNE gene has not been reported previously as a pathogenic variant nor as a benign variant, to our knowledge. This variant is novel (not in any individuals) in gnomAD Exomes and 1000 Genomes. The amino acid Arginine at position 233 is changed to a Proline changing protein sequence and it might alter its composition and physico-chemical properties. The variant is predicted to be damaging by both SIFT. The residue is conserved across species. For these reasons, this variant has been classified as Variant of Uncertain Significance (VUS).